The following is an entry in ClinVar:

ClinVar aggregate classification (germline): Benign/Likely benign. Review status: criteria provided, multiple submitters, no conflicts (2 of 4 stars). 2 submissions from 2 submitters: Benign (1); Likely benign (1). Last evaluated 2026-04-01.

Allele frequency attached by ClinVar (database versions not stated): gnomAD 0.00059; ExAC 0.00067; TOPMed 0.00077; ESP Exome Variant Server 0.00103.
gnomAD v4.1: 1,337 of 1,609,876 alleles (0.083%); highest among the groups gnomAD compares: Non-Finnish European, 0.1%; 3 homozygotes.

Submissions (2):

CeGaT Center for Human Genetics Tuebingen
Classification: Benign. Last evaluated: 2026-04-01. Review status: criteria provided, single submitter. Criteria: CeGaT Center For Human Genetics Tuebingen Variant Classification Criteria Version 2. Collection method: clinical testing. Allele origin: germline. Affected: yes. Observed: 3 variant alleles.
Comment: MAPK8IP3: BP4, BS1, BS2

Blueprint Genetics
Classification: Likely benign. Last evaluated: 2024-11-26. Review status: criteria provided, single submitter. Criteria: ACMG Guidelines, 2015. Collection method: clinical testing. Allele origin: germline.

NM_001318852.2(MAPK8IP3):c.3523+8G>C

Gene: MAPK8IP3 (mitogen-activated protein kinase 8 interacting protein 3; plus strand). Cytogenetic location: 16p13.3.
Variant type: single nucleotide variant.
Coding change: c.3523+8G>C on transcript NM_001318852.2 (MANE Select); 8 bases into the intron after coding-DNA position 3523, G replaced by C.
Molecular consequence: intron variant.
Genome position (GRCh38, 1-based): chr16:1,767,926, G>C. VCF-style: chr16-1767926-G-C. GRCh37 (hg19) VCF-style: chr16-1817927-G-C.
Other names: c.3520+8G>C (NM_015133.5); c.3502+8G>C (NM_001040439.2).
Identifiers: ClinVar variation 2645935 (VCV002645935.25), dbSNP rs375435033, ClinGen allele CA7817701.